The following is an entry in ClinVar:

NM_014629.4(ARHGEF10):c.1239T>A (p.Asp413Glu)

Gene: ARHGEF10 (Rho guanine nucleotide exchange factor 10; plus strand). Cytogenetic location: 8p23.3.
Variant type: single nucleotide variant.
Coding change: c.1239T>A on transcript NM_014629.4 (MANE Select); coding-DNA position 1239, T replaced by A.
Protein change: p.Asp413Glu; replaces aspartic acid 413 with glutamic acid.
Molecular consequence: missense variant.
Genome position (GRCh38, 1-based): chr8:1,893,625, T>A. VCF-style: chr8-1893625-T-A. GRCh37 (hg19) VCF-style: chr8-1841791-T-A.
Other names: c.1125T>A, p.Asp375Glu (NM_001308152.2); c.1242T>A, p.Asp414Glu (NM_001308153.3); short protein forms D375E, D413E, D438E, D414E.
Identifiers: ClinVar variation 2890971 (VCV002890971.3), dbSNP rs767519968, ClinGen allele CA4600275.

ClinVar aggregate classification (germline): Uncertain significance (1 of 4 stars; one submission).

Allele frequency attached by ClinVar (database versions not stated): ExAC 0.00001; gnomAD 0.00001; TOPMed 0.00002.
gnomAD v4.1: 26 of 1,613,002 alleles (0.0016%); highest among the groups gnomAD compares: Admixed American, 0.0067%; no homozygotes.

Submission:

Labcorp Genetics (formerly Invitae), Labcorp
Classification: Uncertain significance. Last evaluated: 2023-07-08. Review status: criteria provided, single submitter. Criteria: Invitae Variant Classification Sherloc (09022015). Collection method: clinical testing. Allele origin: germline.
Comment: In summary, the available evidence is currently insufficient to determine the role of this variant in disease. Therefore, it has been classified as a Variant of Uncertain Significance. This sequence change replaces aspartic acid, which is acidic and polar, with glutamic acid, which is acidic and polar, at codon 413 of the ARHGEF10 protein (p.Asp413Glu). This variant is present in population databases (rs767519968, gnomAD 0.0009%). This variant has not been reported in the literature in individuals affected with ARHGEF10-related conditions. An algorithm developed to predict the effect of missense changes on protein structure and function (PolyPhen-2) suggests that this variant is likely to be tolerated.